The following is an entry in ClinVar:

NM_004655.4(AXIN2):c.1702G>A (p.Glu568Lys)

Gene: AXIN2 (axin 2; minus strand). Cytogenetic location: 17q24.1.
Variant type: single nucleotide variant.
Coding change: c.1702G>A on transcript NM_004655.4 (MANE Select); coding-DNA position 1702, G replaced by A.
Protein change: p.Glu568Lys; replaces glutamic acid 568 with lysine.
Molecular consequence: missense variant.
Genome position (GRCh38, 1-based): chr17:65,537,334, C>T on the plus strand (G>A on the coding strand, the complement: AXIN2 is on the minus strand). VCF-style: chr17-65537334-C-T. GRCh37 (hg19) VCF-style: chr17-63533452-C-T.
Other names: c.1702G>A, p.Glu568Lys (NM_001363813.1); short protein forms E568K.
Identifiers: ClinVar variation 1778381 (VCV001778381.3), dbSNP rs2509411037, ClinGen allele CA400676804.

ClinVar aggregate classification (germline): Uncertain significance (1 of 4 stars; one submission).

Conditions:
Hereditary cancer-predisposing syndrome. Also called: Neoplastic Syndromes, Hereditary; Tumor predisposition; Hereditary Cancer Syndrome; Hereditary neoplastic syndrome. Identifiers: Orphanet 140162, MedGen C0027672, MeSH D009386, MONDO:0015356.

Allele frequency attached by ClinVar (database versions not stated): gnomAD exomes below 0.00001.
gnomAD v4.1: 1 of 1,614,094 alleles (0.000062%); no homozygotes.

Submission:

Ambry Genetics
Classification: Uncertain significance for Hereditary cancer-predisposing syndrome. Last evaluated: 2024-08-28. Review status: criteria provided, single submitter. Criteria: Ambry Variant Classification Scheme 2023. Collection method: clinical testing. Allele origin: germline.
Comment: The p.E568K variant (also known as c.1702G>A), located in coding exon 5 of the AXIN2 gene, results from a G to A substitution at nucleotide position 1702. The glutamic acid at codon 568 is replaced by lysine, an amino acid with similar properties. This amino acid position is well conserved in available vertebrate species. In addition, this alteration is predicted to be tolerated by in silico analysis. Based on the available evidence, the clinical significance of this variant remains unclear.